The following is an entry in ClinVar:

NM_001374828.1(ARID1B):c.1281GGC[3] (p.Ala433del)

Gene: ARID1B (AT-rich interaction domain 1B; plus strand). Cytogenetic location: 6q25.3.
Variant type: Microsatellite.
Coding change: c.1281GGC[3] on transcript NM_001374828.1 (MANE Select); three copies in a row of the 3-base unit GGC starting at c.1281; the reference has four copies in a row; one copy, 3 bases deleted.
Protein change: p.Ala433del; deletes alanine 433.
Molecular consequence: inframe deletion. On other transcripts: inframe indel (1).
Genome position (GRCh38, 1-based): chr6:156,778,970-156,778,972, GGC deleted; deleting any 3 consecutive bases within chr6:156,778,959-156,778,972 gives the same sequence; the position shown is the placement nearest the transcript's 3' end. VCF-style (leftmost placement, unchanged base first): chr6-156778958-CGCG-C. GRCh37 (hg19) VCF-style: chr6-157100092-CGCG-C.
Other names: c.1041_1043delGGC (NM_020732.3); c.1281GGC[3], p.Ala433del (NM_001371656.1, NM_001374820.1, NM_017519.3); short protein forms A433del.
Identifiers: ClinVar variation 3056657 (VCV003056657.2), dbSNP rs764418312, ClinGen allele CA4066730.
Genomic context (GRCh38, chr6:156,778,958, plus strand): 5'-AGGAGGAGGAGGAGGAGCAGGAGCAGGAGGAGCAGGAGCGGGAGCTGTGGCGGCGGCGGC[CGCG>C]GCGGCGGCGGCAGCAGCAGGAGGCGGCGGCGGCGGCGGCTATGGGGGCTCGTCCGCGGGG-3'

ClinVar aggregate classification (germline): Likely benign (0 of 4 stars; one submission).

Conditions:
ARID1B-Related Disorder. Identifiers: MedGen CN381337.

Submission:

PreventionGenetics, part of Exact Sciences
Classification: Likely benign for ARID1B-related condition. Last evaluated: 2020-02-17. Review status: no assertion criteria provided. Collection method: clinical testing. Allele origin: germline.
Comment: This variant is classified as likely benign based on ACMG/AMP sequence variant interpretation guidelines (Richards et al. 2015 PMID: 25741868, with internal and published modifications).